The following is an entry in ClinVar:

ClinVar aggregate classification (germline): Uncertain significance (0 of 4 stars; one submission).

Conditions:
PPARG-related disorder. Also called: PPARG-related disorders; PPARG-related condition.

gnomAD v4.1: 5 of 1,610,974 alleles (0.00031%); highest among the groups gnomAD compares: Admixed American, 0.0033%; no homozygotes.

Submission:

PreventionGenetics, part of Exact Sciences
Classification: Uncertain significance for PPARG-related condition. Last evaluated: 2024-05-22. Review status: no assertion criteria provided. Collection method: clinical testing. Allele origin: germline.
Comment: The PPARG c.29T>C variant is predicted to result in the amino acid substitution p.Ile10Thr. To our knowledge, this variant has not been reported in the literature. This variant is reported in 0.0029% of alleles in individuals of Latino descent in gnomAD. At this time, the clinical significance of this variant is uncertain due to the absence of conclusive functional and genetic evidence.

NM_138711.6(PPARG):c.-8-28083T>C

Gene: PPARG (peroxisome proliferator activated receptor gamma; plus strand). Cytogenetic location: 3p25.2.
Variant type: single nucleotide variant.
Coding change: c.-8-28083T>C on transcript NM_138711.6 (MANE Select); 28083 bases into the intron before 8 bases upstream of the start codon, T replaced by C.
Molecular consequence: intron variant. On other transcripts: missense variant (3).
Genome position (GRCh38, 1-based): chr3:12,351,621, T>C. VCF-style: chr3-12351621-T-C. GRCh37 (hg19) VCF-style: chr3-12393120-T-C.
Other names: c.29T>C, p.Ile10Thr (NM_001354668.2, NM_001374265.1, NM_015869.5); c.-8-28083T>C (NM_001354666.3, NM_138712.5, NM_005037.7 and 5 more transcripts); c.-435-28083T>C (NM_001354669.2); c.-9+6727T>C (NM_001374262.3); c.-2-28083T>C (NM_001374266.1, NM_001354670.2); short protein forms I10T.
Identifiers: ClinVar variation 3347032 (VCV003347032.1).